The following is an entry in ClinVar:

NM_020812.4(DOCK6):c.5436G>C (p.Lys1812Asn)

Gene: DOCK6 (dedicator of cytokinesis 6; minus strand). Cytogenetic location: 19p13.2.
Variant type: single nucleotide variant.
Coding change: c.5436G>C on transcript NM_020812.4 (MANE Select); coding-DNA position 5436, G replaced by C.
Protein change: p.Lys1812Asn; replaces lysine 1812 with asparagine.
Molecular consequence: missense variant.
Genome position (GRCh38, 1-based): chr19:11,202,409, C>G on the plus strand (G>C on the coding strand, the complement: DOCK6 is on the minus strand). VCF-style: chr19-11202409-C-G. GRCh37 (hg19) VCF-style: chr19-11313085-C-G.
Other names: c.5541G>C, p.Lys1847Asn (NM_001367830.1); short protein forms K1847N, K1812N.
Identifiers: ClinVar variation 2178160 (VCV002178160.1), dbSNP rs374823959, ClinGen allele CA9206473.

ClinVar aggregate classification (germline): Uncertain significance (1 of 4 stars; one submission).

gnomAD v4.1: 27 of 1,613,728 alleles (0.0017%); highest among the groups gnomAD compares: Admixed American, 0.005%; no homozygotes.

Submission:

Labcorp Genetics (formerly Invitae), Labcorp
Classification: Uncertain significance. Last evaluated: 2022-06-03. Review status: criteria provided, single submitter. Criteria: Invitae Variant Classification Sherloc (09022015). Collection method: clinical testing. Allele origin: germline.
Comment: This sequence change replaces lysine, which is basic and polar, with asparagine, which is neutral and polar, at codon 1812 of the DOCK6 protein (p.Lys1812Asn). This variant is present in population databases (rs374823959, gnomAD 0.009%). This variant has not been reported in the literature in individuals affected with DOCK6-related conditions. Algorithms developed to predict the effect of missense changes on protein structure and function are either unavailable or do not agree on the potential impact of this missense change (SIFT: "Deleterious"; PolyPhen-2: "Probably Damaging"; Align-GVGD: "Class C0"). In summary, the available evidence is currently insufficient to determine the role of this variant in disease. Therefore, it has been classified as a Variant of Uncertain Significance.